The following is an entry in ClinVar:

ClinVar aggregate classification (germline): Likely pathogenic (1 of 4 stars; one submission).

Allele frequency attached by ClinVar (database versions not stated): TOPMed below 0.00001; ExAC 0.00002.
gnomAD v4.1: 9 of 1,612,070 alleles (0.00056%); highest among the groups gnomAD compares: East Asian, 0.0067%; no homozygotes.

Submission:

CeGaT Center for Human Genetics Tuebingen
Classification: Likely pathogenic. Last evaluated: 2023-10-01. Review status: criteria provided, single submitter. Criteria: CeGaT Center For Human Genetics Tuebingen Variant Classification Criteria Version 2. Collection method: clinical testing. Allele origin: germline. Affected: yes. Observed: 1 variant allele.
Comment: MOGS: PVS1:Strong, PM2

NM_006302.3(MOGS):c.1336C>T (p.Arg446Ter)

Gene: MOGS (mannosyl-oligosaccharide glucosidase; minus strand). Cytogenetic location: 2p13.1.
Variant type: single nucleotide variant.
Coding change: c.1336C>T on transcript NM_006302.3 (MANE Select); coding-DNA position 1336, C replaced by T.
Protein change: p.Arg446Ter; replaces arginine 446 with a stop codon.
Molecular consequence: nonsense.
Genome position (GRCh38, 1-based): chr2:74,462,453, G>A on the plus strand (C>T on the coding strand, the complement: MOGS is on the minus strand). VCF-style: chr2-74462453-G-A. GRCh37 (hg19) VCF-style: chr2-74689580-G-A.
Other names: c.1018C>T, p.Arg340Ter (NM_001146158.2); short protein forms R340*, R446*.
Identifiers: ClinVar variation 2582979 (VCV002582979.25), dbSNP rs776347680, ClinGen allele CA1724801.